The following is an entry in ClinVar:

ClinVar aggregate classification (germline): Uncertain significance (1 of 4 stars; one submission).

Conditions:
Joubert syndrome. Also called: JOUBERT-BOLTSHAUSER SYNDROME; Familial aplasia of the vermis. Identifiers: Orphanet 475, MedGen C5979921, MONDO:0018772.
Meckel-Gruber syndrome. Also called: DYSENCEPHALIA SPLANCHNOCYSTICA; GRUBER SYNDROME; Dysencephalia splachnocystica. Identifiers: Orphanet 564, MedGen C0265215, MONDO:0018921.

Allele frequency attached by ClinVar (database versions not stated): gnomAD exomes below 0.00001.
gnomAD v4.1: 6 of 1,613,322 alleles (0.00037%); highest among the groups gnomAD compares: Non-Finnish European, 0.00042%; no homozygotes.

Submission:

Labcorp Genetics (formerly Invitae), Labcorp
Classification: Uncertain significance for Joubert syndrome; Meckel-Gruber syndrome. Last evaluated: 2022-07-26. Review status: criteria provided, single submitter. Criteria: Invitae Variant Classification Sherloc (09022015). Collection method: clinical testing. Allele origin: germline.
Comment: Advanced modeling of protein sequence and biophysical properties (such as structural, functional, and spatial information, amino acid conservation, physicochemical variation, residue mobility, and thermodynamic stability) performed at Invitae indicates that this missense variant is expected to disrupt CC2D2A protein function. In summary, the available evidence is currently insufficient to determine the role of this variant in disease. Therefore, it has been classified as a Variant of Uncertain Significance. This variant has not been reported in the literature in individuals affected with CC2D2A-related conditions. This variant is present in population databases (no rsID available, gnomAD 0.004%). This sequence change replaces arginine, which is basic and polar, with glutamine, which is neutral and polar, at codon 910 of the CC2D2A protein (p.Arg910Gln).

NM_001378615.1(CC2D2A):c.2729G>A (p.Arg910Gln)

Genes: CC2D2A (coiled-coil and C2 domain containing 2A; plus strand), FBXL5 (F-box and leucine rich repeat protein 5; minus strand). Cytogenetic location: 4p15.32.
Variant type: single nucleotide variant.
Coding change: c.2729G>A on transcript NM_001378615.1 (MANE Select); coding-DNA position 2729, G replaced by A.
Protein change: p.Arg910Gln; replaces arginine 910 with glutamine.
Molecular consequence: missense variant.
Genome position (GRCh38, 1-based): chr4:15,557,407, G>A. VCF-style: chr4-15557407-G-A. GRCh37 (hg19) VCF-style: chr4-15559030-G-A.
Other names: c.2729G>A, p.Arg910Gln (NM_001080522.2); c.2582G>A, p.Arg861Gln (NM_001378617.1); short protein forms R861Q, R910Q.
Identifiers: ClinVar variation 2183891 (VCV002183891.4), dbSNP rs1444040844, ClinGen allele CA356412327.